The following is an entry in ClinVar:

NM_173602.3(DIP2B):c.2237C>G (p.Thr746Arg)

Gene: DIP2B (disco interacting protein 2 homolog B; plus strand). Cytogenetic location: 12q13.12.
Variant type: single nucleotide variant.
Coding change: c.2237C>G on transcript NM_173602.3 (MANE Select); coding-DNA position 2237, C replaced by G.
Protein change: p.Thr746Arg; replaces threonine 746 with arginine.
Molecular consequence: missense variant.
Genome position (GRCh38, 1-based): chr12:50,699,114, C>G. VCF-style: chr12-50699114-C-G. GRCh37 (hg19) VCF-style: chr12-51092897-C-G.
Other names: short protein forms T746R.
Identifiers: ClinVar variation 3344238 (VCV003344238.1).

ClinVar aggregate classification (germline): Uncertain significance (0 of 4 stars; one submission).

Conditions:
DIP2B-related disorder. Also called: DIP2B-related condition.

Submission:

PreventionGenetics, part of Exact Sciences
Classification: Uncertain significance for DIP2B-related condition. Last evaluated: 2024-06-25. Review status: no assertion criteria provided. Collection method: clinical testing. Allele origin: germline.
Comment: The DIP2B c.2237C>G variant is predicted to result in the amino acid substitution p.Thr746Arg. To our knowledge, this variant has not been reported in the literature or in a large population database, indicating this variant is rare. At this time, the clinical significance of this variant is uncertain due to the absence of conclusive functional and genetic evidence.